The following is an entry in ClinVar:

NM_000180.4(GUCY2D):c.598T>C (p.Ser200Pro)

Gene: GUCY2D (guanylate cyclase 2D, retinal; plus strand). Cytogenetic location: 17p13.1.
Variant type: single nucleotide variant.
Coding change: c.598T>C on transcript NM_000180.4 (MANE Select); coding-DNA position 598, T replaced by C.
Protein change: p.Ser200Pro; replaces serine 200 with proline.
Molecular consequence: missense variant.
Genome position (GRCh38, 1-based): chr17:8,003,645, T>C. VCF-style: chr17-8003645-T-C. GRCh37 (hg19) VCF-style: chr17-7906963-T-C.
Other names: short protein forms S200P.
Identifiers: ClinVar variation 2949715 (VCV002949715.3), dbSNP rs2545418224, ClinGen allele CA397944416.

ClinVar aggregate classification (germline): Uncertain significance (1 of 4 stars; one submission).

Conditions:
Cone-rod dystrophy 6 (CORD6). Also called: Cone dystrophy progressive; RETINAL CONE DYSTROPHY 2. Identifiers: Orphanet 1872, MedGen C1866293, MONDO:0011143, OMIM 601777.
Leber congenital amaurosis 1 (LCA1). Also called: Congenital absence of the rods and cones; Leber's congenital tapetoretinal degeneration; Leber's congenital tapetoretinal dysplasia; AMAUROSIS CONGENITA OF LEBER I; RETINAL BLINDNESS, CONGENITAL. Identifiers: Orphanet 65, MedGen C2931258, MONDO:0008764, OMIM 204000.

Submission:

Labcorp Genetics (formerly Invitae), Labcorp
Classification: Uncertain significance for Leber congenital amaurosis 1; Cone-rod dystrophy 6. Last evaluated: 2023-07-30. Review status: criteria provided, single submitter. Criteria: Invitae Variant Classification Sherloc (09022015). Collection method: clinical testing. Allele origin: germline.
Comment: This sequence change replaces serine, which is neutral and polar, with proline, which is neutral and non-polar, at codon 200 of the GUCY2D protein (p.Ser200Pro). In summary, the available evidence is currently insufficient to determine the role of this variant in disease. Therefore, it has been classified as a Variant of Uncertain Significance. Advanced modeling of protein sequence and biophysical properties (such as structural, functional, and spatial information, amino acid conservation, physicochemical variation, residue mobility, and thermodynamic stability) performed at Invitae indicates that this missense variant is not expected to disrupt GUCY2D protein function. This variant has not been reported in the literature in individuals affected with GUCY2D-related conditions. This variant is not present in population databases (gnomAD no frequency).